The following is an entry in ClinVar:

NM_001369.3(DNAH5):c.90_105dup (p.Arg36fs)

Gene: DNAH5 (dynein axonemal heavy chain 5; minus strand). Cytogenetic location: 5p15.2.
Variant type: Duplication.
Coding change: c.90_105dup on transcript NM_001369.3 (MANE Select); coding-DNA positions 90 to 105, 16 bases duplicated (GGCTCTTTTGGATGCG).
Protein change: p.Arg36fs; shifts the reading frame from arginine 36.
Molecular consequence: frameshift variant.
Genome position (GRCh38, 1-based): chr5:13,931,197-13,931,212, CGCATCCAAAAGAGCC duplicated on the plus strand (GGCTCTTTTGGATGCG on the coding strand, the reverse complement: DNAH5 is on the minus strand); duplicating any 16 consecutive bases within chr5:13,931,197-13,931,215 gives the same sequence; the c. name uses the placement nearest the transcript's 3' end. VCF-style (leftmost placement, unchanged base first): chr5-13931196-T-TCGCATCCAAAAGAGCC. GRCh37 (hg19) VCF-style: chr5-13931305-T-TCGCATCCAAAAGAGCC.
Other names: short protein forms R36fs.
Identifiers: ClinVar variation 844653 (VCV000844653.20), dbSNP rs1778379197, ClinGen allele CA916082691.

ClinVar aggregate classification (germline): Pathogenic. Review status: criteria provided, single submitter (1 of 4 stars). 2 submissions from 2 submitters: Pathogenic (1). 1 of the submissions does not count toward it. Last evaluated 2020-01-06.

Conditions:
Primary ciliary dyskinesia. Also called: Ciliary dyskinesia. Identifiers: Orphanet 244, MedGen C0008780, MONDO:0016575, HP:0012265.

Submissions (2):

Labcorp Genetics (formerly Invitae), Labcorp
Classification: Pathogenic for Primary ciliary dyskinesia. Last evaluated: 2020-01-06. Review status: criteria provided, single submitter. Criteria: Invitae Variant Classification Sherloc (09022015). Collection method: clinical testing. Allele origin: germline.
Comment: This sequence change creates a premature translational stop signal (p.Arg36Glyfs*8) in the DNAH5 gene. It is expected to result in an absent or disrupted protein product. This variant is not present in population databases (ExAC no frequency). For these reasons, this variant has been classified as Pathogenic. Loss-of-function variants in DNAH5 are known to be pathogenic (PMID: 11788826, 16627867). This variant has not been reported in the literature in individuals with DNAH5-related conditions.

Natera, Inc.
Classification: Pathogenic for Primary ciliary dyskinesia. Last evaluated: 2021-07-06. Review status: no assertion criteria provided. Collection method: clinical testing. Allele origin: germline. Not counted in ClinVar's aggregate classification.

Literature cited by the submitters: PubMed 11788826 (cited by Labcorp Genetics (formerly Invitae), Labcorp); PubMed 16627867 (cited by Labcorp Genetics (formerly Invitae), Labcorp).